The following is an entry in ClinVar:

ClinVar aggregate classification (germline): Uncertain significance (1 of 4 stars; one submission).

Conditions:
EP300-related disorder. Also called: EP300-related condition; EP300-related disorders.

Submission:

Laboratorio de Biologia Molecular/Medicina Genomica - IFF/Fiocruz, Instituto Fernandes Figueira, Fundacao Oswaldo Cruz
Classification: Uncertain significance for EP300-related conditions. Last evaluated: 2025-09-02. Review status: criteria provided, single submitter. Criteria: ACMG Guidelines, 2015. Collection method: clinical testing. Allele origin: germline. Affected: yes. Observed: 1 variant allele.
Comment: Variant: c.5176_5177insTG (p.Ser1726MetfsTer9) in exon 31 of the EP300 gene. Protein effect: Frameshift variant not predicted to undergo NMD, but truncated/altered region is critical to protein function. Population database (gnomAD): Absent. ACMG/AMP criteria applied: PVS1_Strong, PM2_Supporting.

NM_001429.4(EP300):c.5176_5177insTG (p.Ser1726fs)

Gene: EP300 (EP300 lysine acetyltransferase; plus strand). Cytogenetic location: 22q13.2.
Variant type: Insertion.
Coding change: c.5176_5177insTG on transcript NM_001429.4 (MANE Select); coding-DNA positions 5176 to 5177, TG inserted.
Protein change: p.Ser1726fs; shifts the reading frame from serine 1726.
Molecular consequence: frameshift variant.
Genome position: GRCh38 VCF-style: chr22-41176887-A-ATG. GRCh37 (hg19) VCF-style: chr22-41572891-A-ATG.
Other names: c.5098_5099insTG, p.Ser1700fs (NM_001362843.2); short protein forms S1700fs, S1726fs.
Identifiers: ClinVar variation 4795201 (VCV004795201.1).